The following is an entry in ClinVar:

ClinVar aggregate classification (germline): Likely pathogenic (1 of 4 stars; one submission).

Conditions:
Chédiak-Higashi syndrome (CHS). Also called: Chediak-Higashi Syndrome. Identifiers: Orphanet 167, MedGen C0007965, MONDO:0008963, OMIM 214500.

Submission:

Labcorp Genetics (formerly Invitae), Labcorp
Classification: Likely pathogenic for Chédiak-Higashi syndrome. Last evaluated: 2022-08-23. Review status: criteria provided, single submitter. Criteria: Invitae Variant Classification Sherloc (09022015). Collection method: clinical testing. Allele origin: germline.
Comment: In summary, the currently available evidence indicates that the variant is pathogenic, but additional data are needed to prove that conclusively. Therefore, this variant has been classified as Likely Pathogenic. Algorithms developed to predict the effect of sequence changes on RNA splicing suggest that this variant may disrupt the consensus splice site. This variant has not been reported in the literature in individuals affected with LYST-related conditions. This variant is not present in population databases (gnomAD no frequency). This sequence change affects a donor splice site in intron 31 of the LYST gene. It is expected to disrupt RNA splicing. Variants that disrupt the donor or acceptor splice site typically lead to a loss of protein function (PMID: 16199547), and loss-of-function variants in LYST are known to be pathogenic (PMID: 9215679, 11857544).

Literature cited by the submitters: PubMed 16199547; PubMed 9215679; PubMed 11857544.

NM_000081.4(LYST):c.8358+1G>C

Gene: LYST (lysosomal trafficking regulator; minus strand). Cytogenetic location: 1q42.3.
Variant type: single nucleotide variant.
Coding change: c.8358+1G>C on transcript NM_000081.4 (MANE Select); the canonical splice donor site of the intron after coding-DNA position 8358, G replaced by C.
Molecular consequence: splice donor variant.
Genome position (GRCh38, 1-based): chr1:235,741,421, C>G on the plus strand (G>C on the coding strand, the complement: LYST is on the minus strand). VCF-style: chr1-235741421-C-G. GRCh37 (hg19) VCF-style: chr1-235904721-C-G.
Other names: c.8358+1G>C (NM_001301365.1).
Identifiers: ClinVar variation 2026605 (VCV002026605.4), dbSNP rs2527622353, ClinGen allele CA344923087.